The following is an entry in ClinVar:

ClinVar aggregate classification (germline): Likely benign. Review status: criteria provided, multiple submitters, no conflicts (2 of 4 stars). 5 submissions from 5 submitters: Likely benign (5). Last evaluated 2025-09-11.

Conditions:
MASS syndrome (OCTD). Also called: OVERLAP CONNECTIVE TISSUE DISEASE; MASS PHENOTYPE. Identifiers: MedGen C1858556, MONDO:0011431, OMIM 604308.
Progeroid and marfanoid aspect-lipodystrophy syndrome. Also called: MARFANOID-PROGEROID SYNDROME; MARFAN-PROGEROID-LIPODYSTROPHY SYNDROME; Marfan lipodystrophy syndrome; MARFANOID-PROGEROID-LIPODYSTROPHY SYNDROME. Identifiers: Orphanet 300382, MedGen C4310796, MONDO:0014831, OMIM 616914.
Ectopia lentis 1, isolated, autosomal dominant (ECTOL1). Identifiers: Orphanet 1885, MedGen C3541518, MONDO:0007514, OMIM 129600.
Weill-Marchesani syndrome 2, dominant. Also called: Weill-Marchesani Syndrome, Autosomal Dominant; FBN1-Related Weill-Marchesani Syndrome. Identifiers: Orphanet 2084, MedGen C1869115, MONDO:0012013, OMIM 608328.
Acromicric dysplasia (ACMICD). Also called: Acromicric skeletal dysplasia. Identifiers: Orphanet 969, MedGen C0265287, MONDO:0007055, OMIM 102370.
Geleophysic dysplasia 2 (GPHYSD2). Identifiers: Orphanet 2623, MedGen C3280054, MONDO:0013612, OMIM 614185.
Stiff skin syndrome (SSKS). Identifiers: Orphanet 2833, MedGen C1861456, MONDO:0008492, OMIM 184900.
Marfan syndrome (MFS). Also called: Marfan syndrome type 1; Marfan syndrome, classic; Marfan's syndrome; FBN1-Related Marfan Syndrome; MARFAN SYNDROME, TYPE I. Identifiers: Orphanet 284963, Orphanet 558, MedGen C0024796, MONDO:0007947, OMIM 154700.
Familial thoracic aortic aneurysm and aortic dissection (TAAD). Also called: Thoracic aortic aneurysms and dissections. Identifiers: Orphanet 91387, MedGen C4707243, MONDO:0019625.

Allele frequency attached by ClinVar (database versions not stated): gnomAD 0.00002; gnomAD exomes 0.00003; ExAC 0.00002; TOPMed 0.00003.
gnomAD v4.1: 44 of 1,613,038 alleles (0.0027%); highest among the groups gnomAD compares: Middle Eastern, 0.033%; no homozygotes.

Submissions (5):

Labcorp Genetics (formerly Invitae), Labcorp
Classification: Likely benign for Marfan syndrome; Familial thoracic aortic aneurysm and aortic dissection. Last evaluated: 2025-09-11. Review status: criteria provided, single submitter. Criteria: Invitae Variant Classification Sherloc (09022015). Collection method: clinical testing. Allele origin: germline.

All of Us Research Program, National Institutes of Health
Classification: Likely benign for Marfan syndrome. Last evaluated: 2023-12-13. Review status: criteria provided, single submitter. Criteria: ACMG Guidelines, 2015. Collection method: clinical testing. Allele origin: germline. Inheritance: Autosomal dominant inheritance. Observed: 6 variant alleles, 6 heterozygotes.
Comment: This study involves interpretation of variants in research participants for the purpose of population health screening. Participant phenotype was not available at the time of variant classification. Additional details can be found in publication PMID: 35346344, PMCID: PMC8962531

Fulgent Genetics
Classification: Likely benign for Acromicric dysplasia; Ectopia lentis 1, isolated, autosomal dominant; Marfan syndrome; Stiff skin syndrome; MASS syndrome; Weill-Marchesani syndrome 2, dominant; Geleophysic dysplasia 2; Progeroid and marfanoid aspect-lipodystrophy syndrome. Last evaluated: 2021-07-12. Review status: criteria provided, single submitter. Criteria: ACMG Guidelines, 2015. Collection method: clinical testing. Allele origin: unknown.

Color Diagnostics, LLC DBA Color Health
Classification: Likely benign for Familial thoracic aortic aneurysm and aortic dissection. Last evaluated: 2019-12-09. Review status: criteria provided, single submitter. Criteria: ACMG Guidelines, 2015. Collection method: clinical testing. Allele origin: germline.

GeneDx
Classification: Likely benign. Last evaluated: 2018-01-10. Review status: criteria provided, single submitter. Criteria: GeneDx Variant Classification (06012015). Collection method: clinical testing. Allele origin: germline. Affected: yes.
Comment: This variant is considered likely benign or benign based on one or more of the following criteria: it is a conservative change, it occurs at a poorly conserved position in the protein, it is predicted to be benign by multiple in silico algorithms, and/or has population frequency not consistent with disease.

NM_000138.5(FBN1):c.8227-10G>A

Gene: FBN1 (fibrillin 1; minus strand). Cytogenetic location: 15q21.1.
Variant type: single nucleotide variant.
Coding change: c.8227-10G>A on transcript NM_000138.5 (MANE Select); 10 bases into the intron before coding-DNA position 8227, G replaced by A.
Molecular consequence: intron variant.
Genome position (GRCh38, 1-based): chr15:48,411,389, C>T on the plus strand (G>A on the coding strand, the complement: FBN1 is on the minus strand). VCF-style: chr15-48411389-C-T. GRCh37 (hg19) VCF-style: chr15-48703586-C-T.
Identifiers: ClinVar variation 514709 (VCV000514709.16), dbSNP rs765093559, ClinGen allele CA059805.